The following is an entry in ClinVar:

ClinVar aggregate classification (germline): Uncertain significance. Review status: criteria provided, multiple submitters, no conflicts (2 of 4 stars). 2 submissions from 2 submitters: Uncertain significance (2). Last evaluated 2022-09-09.

Allele frequency attached by ClinVar (database versions not stated): gnomAD 0.00001; ExAC 0.00002; gnomAD exomes 0.00002; TOPMed 0.00002.
gnomAD v4.1: 24 of 1,609,856 alleles (0.0015%); highest among the groups gnomAD compares: Non-Finnish European, 0.002%; no homozygotes.

Submissions (2):

Labcorp Genetics (formerly Invitae), Labcorp
Classification: Uncertain significance. Last evaluated: 2022-09-09. Review status: criteria provided, single submitter. Criteria: Invitae Variant Classification Sherloc (09022015). Collection method: clinical testing. Allele origin: germline.
Comment: This sequence change replaces lysine, which is basic and polar, with arginine, which is basic and polar, at codon 278 of the PRPF8 protein (p.Lys278Arg). This variant is present in population databases (rs781357074, gnomAD 0.003%). This variant has not been reported in the literature in individuals affected with PRPF8-related conditions. Advanced modeling of protein sequence and biophysical properties (such as structural, functional, and spatial information, amino acid conservation, physicochemical variation, residue mobility, and thermodynamic stability) performed at Invitae indicates that this missense variant is not expected to disrupt PRPF8 protein function. In summary, the available evidence is currently insufficient to determine the role of this variant in disease. Therefore, it has been classified as a Variant of Uncertain Significance.

Blueprint Genetics
Classification: Uncertain significance. Last evaluated: 2019-10-15. Review status: criteria provided, single submitter. Criteria: ACMG Guidelines, 2015. Collection method: clinical testing. Allele origin: germline.

NM_006445.4(PRPF8):c.833A>G (p.Lys278Arg)

Gene: PRPF8 (pre-mRNA processing factor 8; minus strand). Cytogenetic location: 17p13.3.
Variant type: single nucleotide variant.
Coding change: c.833A>G on transcript NM_006445.4 (MANE Select); coding-DNA position 833, A replaced by G.
Protein change: p.Lys278Arg; replaces lysine 278 with arginine.
Molecular consequence: missense variant.
Genome position (GRCh38, 1-based): chr17:1,681,511, T>C on the plus strand (A>G on the coding strand, the complement: PRPF8 is on the minus strand). VCF-style: chr17-1681511-T-C. GRCh37 (hg19) VCF-style: chr17-1584805-T-C.
Other names: short protein forms K278R.
Identifiers: ClinVar variation 1942988 (VCV001942988.6), dbSNP rs781357074, ClinGen allele CA8272541.
Genomic context (GRCh38, chr17:1,681,511, plus strand): 5'-CTAAAATCCCTAATCTCTCCAACTCACTGTAGGTTGATGTCTCGAACAAGAGGTTCAAAT[T>C]TGGGGCCTCCAGGAATGGCCATATTGAGTGCCTTGGACGTAAAGAAGGCCTTCAAATCAA-3'
Protein context (NP_006436.3, residues 268-288): ALNMAIPGGP[Lys278Arg]FEPLVRDINL